The following is an entry in ClinVar:

NM_002519.3(NPAT):c.307C>G (p.Pro103Ala)

Gene: NPAT (nuclear protein, coactivator of histone transcription; minus strand). Cytogenetic location: 11q22.3.
Variant type: single nucleotide variant.
Coding change: c.307C>G on transcript NM_002519.3 (MANE Select); coding-DNA position 307, C replaced by G.
Protein change: p.Pro103Ala; replaces proline 103 with alanine.
Molecular consequence: missense variant.
Genome position (GRCh38, 1-based): chr11:108,190,484, G>C on the plus strand (C>G on the coding strand, the complement: NPAT is on the minus strand). VCF-style: chr11-108190484-G-C. GRCh37 (hg19) VCF-style: chr11-108061211-G-C.
Other names: c.307C>G, p.Pro103Ala (NM_001321307.1); short protein forms P103A.
Identifiers: ClinVar variation 1727349 (VCV001727349.2), dbSNP rs780439297, ClinGen allele CA6264335.

ClinVar aggregate classification (germline): Uncertain significance (1 of 4 stars; one submission).

Allele frequency attached by ClinVar (database versions not stated): ExAC 0.00001.
gnomAD v4.1: 11 of 1,613,776 alleles (0.00068%); highest among the groups gnomAD compares: South Asian, 0.0077%; no homozygotes.

Submission:

Ambry Genetics
Classification: Uncertain significance. Last evaluated: 2022-10-27. Review status: criteria provided, single submitter. Criteria: Ambry Variant Classification Scheme 2023. Collection method: clinical testing. Allele origin: germline.
Comment: The p.P103A variant (also known as c.307C>G), located in coding exon 5 of the NPAT gene, results from a C to G substitution at nucleotide position 307. The proline at codon 103 is replaced by alanine, an amino acid with highly similar properties. This amino acid position is conserved. In addition, this alteration is predicted to be tolerated by in silico analysis. Since supporting evidence is limited at this time, the clinical significance of this alteration remains unclear.